The following is an entry in ClinVar:

NM_001159699.2(FHL1):c.835C>A (p.Arg279Ser)

Gene: FHL1 (four and a half LIM domains 1; plus strand). Cytogenetic location: Xq26.3.
Variant type: single nucleotide variant.
Coding change: c.835C>A on transcript NM_001159699.2 (MANE Select); coding-DNA position 835, C replaced by A.
Protein change: p.Arg279Ser; replaces arginine 279 with serine.
Molecular consequence: missense variant. On other transcripts: 3 prime UTR variant (7), non-coding transcript variant (1).
Genome position (GRCh38, 1-based): chrX:136,209,969, C>A. VCF-style: chrX-136209969-C-A. GRCh37 (hg19) VCF-style: chrX-135292128-C-A.
Other names: c.787C>A, p.Arg263Ser (NM_001159700.2, NM_001159704.1, NM_001167819.1 and 4 more transcripts); c.874C>A, p.Arg292Ser (NM_001159701.2); c.*15C>A (NM_001159702.3, NM_001159703.2, NM_001330659.2 and 4 more transcripts); short protein forms R279S, R263S, R292S.
Identifiers: ClinVar variation 5021796 (VCV005021796.1).

ClinVar aggregate classification (germline): Uncertain significance (1 of 4 stars; one submission).

Conditions:
Cardiovascular phenotype. Identifiers: MedGen CN230736.

Submission:

Ambry Genetics
Classification: Uncertain significance for Cardiovascular phenotype. Last evaluated: 2026-08-16. Review status: criteria provided, single submitter. Criteria: Ambry Variant Classification Scheme 2023. Collection method: clinical testing. Allele origin: germline.
Comment: The p.R263S variant (also known as c.787C>A), located in coding exon 5 of the FHL1 gene, results from a C to A substitution at nucleotide position 787. The arginine at codon 263 is replaced by serine, an amino acid with dissimilar properties. This amino acid position is conserved. In addition, the in silico prediction for this alteration is inconclusive. Based on the available evidence, the clinical significance of this variant remains unclear.